The following is an entry in ClinVar:

NM_005472.5(KCNE3):c.126G>C (p.Gln42His)

Gene: KCNE3 (potassium voltage-gated channel subfamily E regulatory subunit 3; minus strand). Cytogenetic location: 11q13.4.
Variant type: single nucleotide variant.
Coding change: c.126G>C on transcript NM_005472.5 (MANE Select); coding-DNA position 126, G replaced by C.
Protein change: p.Gln42His; replaces glutamine 42 with histidine.
Molecular consequence: missense variant.
Genome position (GRCh38, 1-based): chr11:74,457,438, C>G on the plus strand (G>C on the coding strand, the complement: KCNE3 is on the minus strand). VCF-style: chr11-74457438-C-G. GRCh37 (hg19) VCF-style: chr11-74168483-C-G.
Other names: short protein forms Q42H.
Identifiers: ClinVar variation 3532256 (VCV003532256.1).

ClinVar aggregate classification (germline): Uncertain significance (1 of 4 stars; one submission).

Conditions:
Cardiovascular phenotype. Identifiers: MedGen CN230736.

Submission:

Ambry Genetics
Classification: Uncertain significance for Cardiovascular phenotype. Last evaluated: 2024-11-03. Review status: criteria provided, single submitter. Criteria: Ambry Variant Classification Scheme 2023. Collection method: clinical testing. Allele origin: germline.
Comment: The p.Q42H variant (also known as c.126G>C), located in coding exon 1 of the KCNE3 gene, results from a G to C substitution at nucleotide position 126. The glutamine at codon 42 is replaced by histidine, an amino acid with highly similar properties. This amino acid position is conserved. In addition, this alteration is predicted to be tolerated by in silico analysis. Based on the available evidence, the clinical significance of this variant remains unclear.